The following is an entry in ClinVar:

ClinVar aggregate classification (germline): Uncertain significance (1 of 4 stars; one submission).

Conditions:
Neonatal-onset encephalopathy with rigidity and seizures. Also called: Lethal neonatal spasticity-epileptic encephalopathy syndrome. Identifiers: Orphanet 435845, MedGen C3281029, MONDO:0013784, OMIM 614498.

Submission:

Labcorp Genetics (formerly Invitae), Labcorp
Classification: Uncertain significance for Neonatal-onset encephalopathy with rigidity and seizures. Last evaluated: 2020-07-14. Review status: criteria provided, single submitter. Criteria: Invitae Variant Classification Sherloc (09022015). Collection method: clinical testing. Allele origin: germline.
Comment: In summary, the available evidence is currently insufficient to determine the role of this variant in disease. Therefore, it has been classified as a Variant of Uncertain Significance. Algorithms developed to predict the effect of missense changes on protein structure and function are either unavailable or do not agree on the potential impact of this missense change (SIFT: "Tolerated"; PolyPhen-2: "Possibly Damaging"; Align-GVGD: "Class C15"). This variant has not been reported in the literature in individuals with BRAT1-related conditions. This variant is not present in population databases (ExAC no frequency). This sequence change replaces arginine with proline at codon 399 of the BRAT1 protein (p.Arg399Pro). The arginine residue is moderately conserved and there is a moderate physicochemical difference between arginine and proline.

NM_152743.4(BRAT1):c.1196G>C (p.Arg399Pro)

Gene: BRAT1 (BRCA1 associated ATM activator 1; minus strand). Cytogenetic location: 7p22.3.
Variant type: single nucleotide variant.
Coding change: c.1196G>C on transcript NM_152743.4 (MANE Select); coding-DNA position 1196, G replaced by C.
Protein change: p.Arg399Pro; replaces arginine 399 with proline.
Molecular consequence: missense variant. On other transcripts: non-coding transcript variant (1).
Genome position (GRCh38, 1-based): chr7:2,541,423, C>G on the plus strand (G>C on the coding strand, the complement: BRAT1 is on the minus strand). VCF-style: chr7-2541423-C-G. GRCh37 (hg19) VCF-style: chr7-2581057-C-G.
Other names: c.1196G>C, p.Arg399Pro (NM_001350626.2); c.671G>C, p.Arg224Pro (NM_001350627.2); short protein forms R224P, R399P.
Identifiers: ClinVar variation 1055104 (VCV001055104.9), dbSNP rs371360176, ClinGen allele CA366629288.
Genomic context (GRCh38, chr7:2,541,423, plus strand): 5'-AGGGTCCCACAGAGGTGGCCCCCCACACTGGAGGCAGGGGCAGCCGAGCCGTCACAGAGC[C>G]GCAGGACAGTCACTGTAGCCCCCAGTAGAGACGCCTGGGGCCACGGTGAAGGGCGCTGGG-3'
Protein context (NP_689956.2, residues 389-409): SLLGATVTVL[Arg399Pro]LCDGSAAPAS